The following is an entry in ClinVar:

ClinVar aggregate classification (germline): Uncertain significance (1 of 4 stars; one submission).

Conditions:
Emery-Dreifuss muscular dystrophy (EDMD). Also called: Scapuloperoneal syndrome, X-linked (formerly); Humeroperoneal neuromuscular disease, (formerly). Identifiers: Orphanet 261, MedGen C0410189, MONDO:0016830.

gnomAD v4.1: 1 of 1,613,810 alleles (0.000062%); highest among the groups gnomAD compares: South Asian, 0.0011%; no homozygotes.

Submission:

Labcorp Genetics (formerly Invitae), Labcorp
Classification: Uncertain significance for Emery-Dreifuss muscular dystrophy. Last evaluated: 2024-11-11. Review status: criteria provided, single submitter. Criteria: Invitae Variant Classification Sherloc (09022015). Collection method: clinical testing. Allele origin: germline.
Comment: This sequence change replaces threonine, which is neutral and polar, with arginine, which is basic and polar, at codon 91 of the SUN1 protein (p.Thr91Arg). This variant is not present in population databases (gnomAD no frequency). This variant has not been reported in the literature in individuals affected with SUN1-related conditions. An algorithm developed to predict the effect of missense changes on protein structure and function (PolyPhen-2) suggests that this variant is likely to be tolerated. In summary, the available evidence is currently insufficient to determine the role of this variant in disease. Therefore, it has been classified as a Variant of Uncertain Significance.

NM_001130965.3(SUN1):c.272C>G (p.Thr91Arg)

Gene: SUN1 (Sad1 and UNC84 domain containing 1; plus strand). Cytogenetic location: 7p22.3.
Variant type: single nucleotide variant.
Coding change: c.272C>G on transcript NM_001130965.3 (MANE Select); coding-DNA position 272, C replaced by G.
Protein change: p.Thr91Arg; replaces threonine 91 with arginine.
Molecular consequence: missense variant. On other transcripts: 5 prime UTR variant (4), non-coding transcript variant (3).
Genome position (GRCh38, 1-based): chr7:841,951, C>G. VCF-style: chr7-841951-C-G. GRCh37 (hg19) VCF-style: chr7-881588-C-G.
Other names: c.272C>G, p.Thr91Arg (NM_001367643.1, NM_001367653.1, NM_001367664.1 and 34 more transcripts); c.122C>G, p.Thr41Arg (NM_001367644.1, NM_001367645.1, NM_001367646.1 and 24 more transcripts); c.491C>G, p.Thr164Arg (NM_001367651.1); c.-490C>G (NM_001367658.1); c.-296C>G (NM_001367708.1, NM_001367639.1); c.83C>G, p.Thr28Arg (NM_001367695.1); c.335C>G, p.Thr112Arg (NM_001171945.2); c.-186C>G (NM_001367635.1); short protein forms T41R, T91R, T112R, T164R, T28R.
Identifiers: ClinVar variation 3713596 (VCV003713596.2).